The following is an entry in ClinVar:

ClinVar aggregate classification (germline): Pathogenic/Likely pathogenic. Review status: criteria provided, multiple submitters, no conflicts (2 of 4 stars). 4 submissions from 4 submitters: Pathogenic (3); Likely pathogenic (1). Last evaluated 2023-06-28.

Conditions:
Familial cancer of breast. Also called: Hereditary breast cancer; hereditary breast carcinoma; BREAST CANCER, FAMILIAL. Identifiers: Orphanet 227535, MedGen C0346153, MONDO:0016419, OMIM 114480. Disease mechanism: loss of function.
Hereditary cancer-predisposing syndrome. Also called: Hereditary neoplastic syndrome; Tumor predisposition; Neoplastic Syndromes, Hereditary; Hereditary Cancer Syndrome. Identifiers: Orphanet 140162, MedGen C0027672, MeSH D009386, MONDO:0015356.

Allele frequency attached by ClinVar (database versions not stated): gnomAD exomes below 0.00001.

Submissions (4):

Baylor Genetics
Classification: Likely pathogenic for Familial cancer of breast. Last evaluated: 2023-06-28. Review status: criteria provided, single submitter. Criteria: ACMG Guidelines, 2015. Collection method: clinical testing. Allele origin: unknown.

Myriad Genetics, Inc.
Classification: Pathogenic for Familial cancer of breast. Last evaluated: 2023-06-23. Review status: criteria provided, single submitter. Criteria: Myriad Autosomal Dominant, Autosomal Recessive and X-Linked Classification Criteria (2023). Collection method: clinical testing. Allele origin: unknown.
Comment: This variant is considered pathogenic. This variant creates a frameshift predicted to result in premature protein truncation.

Labcorp Genetics (formerly Invitae), Labcorp
Classification: Pathogenic for Familial cancer of breast. Last evaluated: 2022-03-19. Review status: criteria provided, single submitter. Criteria: Invitae Variant Classification Sherloc (09022015). Collection method: clinical testing. Allele origin: germline.
Comment: This sequence change creates a premature translational stop signal (p.Val150Glyfs*11) in the CHEK2 gene. It is expected to result in an absent or disrupted protein product. Loss-of-function variants in CHEK2 are known to be pathogenic (PMID: 21876083, 24713400). For these reasons, this variant has been classified as Pathogenic. ClinVar contains an entry for this variant (Variation ID: 655775). This variant has not been reported in the literature in individuals affected with CHEK2-related conditions. This variant is not present in population databases (gnomAD no frequency).

Ambry Genetics
Classification: Pathogenic for Hereditary cancer-predisposing syndrome. Last evaluated: 2018-08-30. Review status: criteria provided, single submitter. Criteria: Ambry Variant Classification Scheme 2023. Collection method: clinical testing. Allele origin: germline.
Comment: The c.449delT pathogenic mutation, located in coding exon 3 of the CHEK2 gene, results from a deletion of one nucleotide at nucleotide position 449, causing a translational frameshift with a predicted alternate stop codon (p.V150Gfs*11). This alteration is expected to result in loss of function by premature protein truncation or nonsense-mediated mRNA decay. As such, this alteration is interpreted as a disease-causing mutation.

Literature cited by the submitters: PubMed 21876083 (cited by Labcorp Genetics (formerly Invitae), Labcorp); PubMed 24713400 (cited by Labcorp Genetics (formerly Invitae), Labcorp).

NM_007194.4(CHEK2):c.449del (p.Val150fs)

Gene: CHEK2 (checkpoint kinase 2; minus strand). Cytogenetic location: 22q12.1.
Variant type: Deletion.
Coding change: c.449del on transcript NM_007194.4 (MANE Select); coding-DNA position 449, one base deleted (T; older notation c.449delT).
Protein change: p.Val150fs; shifts the reading frame from valine 150.
Molecular consequence: frameshift variant. On other transcripts: 5 prime UTR variant (2), intron variant (1).
Genome position (GRCh38, 1-based): chr22:28,725,120, A deleted on the plus strand (T on the coding strand, the reverse complement: CHEK2 is on the minus strand). VCF-style (leftmost placement, unchanged base first): chr22-28725119-CA-C. GRCh37 (hg19) VCF-style: chr22-29121107-CA-C.
Other names: c.449delT (NM_007194.3); c.578del, p.Val193fs (NM_001005735.3, NM_001438294.1); c.-329del (NM_001257387.3); c.-215del (NM_001437942.1); c.542del, p.Val181fs (NM_001438293.1, NM_001438295.1); c.449del, p.Val150fs (NM_145862.3); c.444+123del (NM_001349956.3); short protein forms V150fs, V193fs, V181fs.
Identifiers: ClinVar variation 655775 (VCV000655775.14), dbSNP rs1601824270, ClinGen allele CA915952739.